The following is an entry in ClinVar:

ClinVar aggregate classification (germline): Uncertain significance (1 of 4 stars; one submission).

Conditions:
FG syndrome (FGS). Identifiers: MedGen C0220769, MONDO:0002010.

Allele frequency attached by ClinVar (database versions not stated): TOPMed below 0.00001.

Submission:

Labcorp Genetics (formerly Invitae), Labcorp
Classification: Uncertain significance for FG syndrome. Last evaluated: 2023-09-08. Review status: criteria provided, single submitter. Criteria: Invitae Variant Classification Sherloc (09022015). Collection method: clinical testing. Allele origin: germline.
Comment: In summary, the available evidence is currently insufficient to determine the role of this variant in disease. Therefore, it has been classified as a Variant of Uncertain Significance. Advanced modeling of protein sequence and biophysical properties (such as structural, functional, and spatial information, amino acid conservation, physicochemical variation, residue mobility, and thermodynamic stability) performed at Invitae indicates that this missense variant is not expected to disrupt MED12 protein function. This variant has not been reported in the literature in individuals affected with MED12-related conditions. This variant is not present in population databases (gnomAD no frequency). This sequence change replaces asparagine, which is neutral and polar, with lysine, which is basic and polar, at codon 1186 of the MED12 protein (p.Asn1186Lys).

NM_005120.3(MED12):c.3558T>A (p.Asn1186Lys)

Gene: MED12 (mediator complex subunit 12; plus strand). Cytogenetic location: Xq13.1.
Variant type: single nucleotide variant.
Coding change: c.3558T>A on transcript NM_005120.3 (MANE Select); coding-DNA position 3558, T replaced by A.
Protein change: p.Asn1186Lys; replaces asparagine 1186 with lysine.
Molecular consequence: missense variant.
Genome position (GRCh38, 1-based): chrX:71,129,196, T>A. VCF-style: chrX-71129196-T-A. GRCh37 (hg19) VCF-style: chrX-70349046-T-A.
Other names: short protein forms N1186K.
Identifiers: ClinVar variation 2850661 (VCV002850661.3), dbSNP rs2092310627, ClinGen allele CA413519907.